The following is an entry in ClinVar:

ClinVar aggregate classification (germline): Uncertain significance. Review status: criteria provided, multiple submitters, no conflicts (2 of 4 stars). 2 submissions from 2 submitters: Uncertain significance (2). Last evaluated 2024-11-20.

Conditions:
Pulmonary hypertension, primary, 1 (PPH1). Also called: Pulmonary hypertension, familial primary, 1, with or without HHT. Identifiers: Orphanet 422, MedGen C4552070, MONDO:0024533, OMIM 178600.
Pulmonary venoocclusive disease 1 (PVOD1). Also called: Pulmonary venoocclusive disease 1, autosomal dominant. Identifiers: Orphanet 31837, MedGen C3887658, MONDO:0020713, OMIM 265450.
Inborn genetic diseases. Identifiers: MedGen C0950123, MeSH D030342.

gnomAD v4.1: 29 of 1,614,052 alleles (0.0018%); highest among the groups gnomAD compares: South Asian, 0.0055%; no homozygotes.

Submissions (2):

Ambry Genetics
Classification: Uncertain significance for Inborn genetic diseases. Last evaluated: 2024-11-20. Review status: criteria provided, single submitter. Criteria: Ambry Variant Classification Scheme 2023. Collection method: clinical testing. Allele origin: germline.
Comment: The p.R770W variant (also known as c.2308C>T), located in coding exon 12 of the BMPR2 gene, results from a C to T substitution at nucleotide position 2308. The arginine at codon 770 is replaced by tryptophan, an amino acid with dissimilar properties. This amino acid position is conserved. In addition, this alteration is predicted to be deleterious by in silico analysis. Based on the available evidence, the clinical significance of this variant remains unclear.

Fulgent Genetics
Classification: Uncertain significance for Pulmonary hypertension, primary, 1; Pulmonary venoocclusive disease 1. Last evaluated: 2024-01-16. Review status: criteria provided, single submitter. Criteria: ACMG Guidelines, 2015. Collection method: clinical testing. Allele origin: germline.

NM_001204.7(BMPR2):c.2308C>T (p.Arg770Trp)

Gene: BMPR2 (bone morphogenetic protein receptor type 2; plus strand). Cytogenetic location: 2q33.2.
Variant type: single nucleotide variant.
Coding change: c.2308C>T on transcript NM_001204.7 (MANE Select); coding-DNA position 2308, C replaced by T.
Protein change: p.Arg770Trp; replaces arginine 770 with tryptophan.
Molecular consequence: missense variant.
Genome position (GRCh38, 1-based): chr2:202,555,973, C>T. VCF-style: chr2-202555973-C-T. GRCh37 (hg19) VCF-style: chr2-203420696-C-T.
Other names: short protein forms R770W.
Identifiers: ClinVar variation 3481279 (VCV003481279.2).